The following is an entry in ClinVar:

NM_024721.5(ZFHX4):c.9048C>A (p.Tyr3016Ter)

Gene: ZFHX4 (zinc finger homeobox 4; plus strand). Cytogenetic location: 8q21.13.
Variant type: single nucleotide variant.
Coding change: c.9048C>A on transcript NM_024721.5 (MANE Select); coding-DNA position 9048, C replaced by A.
Protein change: p.Tyr3016Ter; replaces tyrosine 3016 with a stop codon.
Molecular consequence: nonsense.
Genome position (GRCh38, 1-based): chr8:76,855,969, C>A. VCF-style: chr8-76855969-C-A. GRCh37 (hg19) VCF-style: chr8-77768205-C-A.
Other names: c.8970C>A, p.Tyr2990Ter (NM_001410934.1); short protein forms Y2990*, Y3016*.
Identifiers: ClinVar variation 2664833 (VCV002664833.1), dbSNP rs752252508, ClinGen allele CA371524146.

ClinVar aggregate classification (germline): Uncertain significance (1 of 4 stars; one submission).

Conditions:
Ptosis, hereditary congenital, 1. Identifiers: Orphanet 91411, MedGen C1867438, MONDO:0979905, OMIM 178300.

Submission:

Genetics and Molecular Pathology, SA Pathology
Classification: Uncertain significance for Ptosis, hereditary congenital, 1. Last evaluated: 2022-09-30. Review status: criteria provided, single submitter. Criteria: ACMG Guidelines, 2015. Collection method: clinical testing. Allele origin: germline. Affected: yes.
Comment: The ZFHX4 c.9048C>A variant is classified as VUS (PM2) The ZFHX4 c.9048C>A variant is a single nucleotide change which is predicted to result in premature termination of the protein product at codon 3016. PVS1 not applied as variant maternally inherited. This variant is absent from population databases (PM2). This variant has not been reported in dbSNP, ClinVar or HGMD.